The following is an entry in ClinVar:

ClinVar aggregate classification (germline): Likely benign (1 of 4 stars; one submission).

Allele frequency attached by ClinVar (database versions not stated): 1000 Genomes Project 0.00060; 1000 Genomes Project 30x 0.00094; TOPMed 0.00335; gnomAD 0.00366.
gnomAD v4.1: 6,712 of 1,236,930 alleles (0.54%); highest among the groups gnomAD compares: Non-Finnish European, 0.61%; 26 homozygotes.

Submission:

CeGaT Center for Human Genetics Tuebingen
Classification: Likely benign. Last evaluated: 2023-03-01. Review status: criteria provided, single submitter. Criteria: CeGaT Center For Human Genetics Tuebingen Variant Classification Criteria Version 2. Collection method: clinical testing. Allele origin: germline. Affected: yes. Observed: 1 variant allele.
Comment: CCDC9: BS2

NC_000019.10:g.47272131G>A

Gene: CCDC9 (coiled-coil domain containing 9; plus strand). Cytogenetic location: 19q13.32.
Variant type: single nucleotide variant.
Genome position: GRCh38 VCF-style: chr19-47272131-G-A. GRCh37 (hg19) VCF-style: chr19-47775388-G-A.
Identifiers: ClinVar variation 2650145 (VCV002650145.24), dbSNP rs576793567, ClinGen allele CA309163991.
Genomic context (GRCh38, chr19:47,272,131, plus strand): 5'-GGTGGCCAGTCAGCCCCTGCCTTCCCGGAGAGTGGGCCCAGCCTCCGAGGAACCCAGGAA[G>A]CTGAAGAGGAAGGGTCTGAGGCAACTCCAGGTGGGGGAGTGCATGGGGCATGGGATGGAG-3'